The following is an entry in ClinVar:

NM_017617.5(NOTCH1):c.5651C>T (p.Pro1884Leu)

Gene: NOTCH1 (notch receptor 1; minus strand). Cytogenetic location: 9q34.3.
Variant type: single nucleotide variant.
Coding change: c.5651C>T on transcript NM_017617.5 (MANE Select); coding-DNA position 5651, C replaced by T.
Protein change: p.Pro1884Leu; replaces proline 1884 with leucine.
Molecular consequence: missense variant.
Genome position (GRCh38, 1-based): chr9:136,500,835, G>A on the plus strand (C>T on the coding strand, the complement: NOTCH1 is on the minus strand). VCF-style: chr9-136500835-G-A. GRCh37 (hg19) VCF-style: chr9-139395287-G-A.
Other names: short protein forms P1884L.
Identifiers: ClinVar variation 1357375 (VCV001357375.9), dbSNP rs545259523, ClinGen allele CA5340162.

ClinVar aggregate classification (germline): Uncertain significance. Review status: criteria provided, multiple submitters, no conflicts (2 of 4 stars). 2 submissions from 2 submitters: Uncertain significance (2). Last evaluated 2025-03-10.

Conditions:
Adams-Oliver syndrome 5 (AOS5). Identifiers: Orphanet 974, MedGen C4014970, MONDO:0014459, OMIM 616028.

Allele frequency attached by ClinVar (database versions not stated): gnomAD exomes below 0.00001; ExAC 0.00001; gnomAD 0.00001; 1000 Genomes Project 30x 0.00016; 1000 Genomes Project 0.00020.
gnomAD v4.1: 3 of 1,595,076 alleles (0.00019%); highest among the groups gnomAD compares: African/African-American, 0.0013%; no homozygotes.

Submissions (2):

Labcorp Genetics (formerly Invitae), Labcorp
Classification: Uncertain significance for Adams-Oliver syndrome 5. Last evaluated: 2025-03-10. Review status: criteria provided, single submitter. Criteria: Invitae Variant Classification Sherloc (09022015). Collection method: clinical testing. Allele origin: germline.
Comment: This sequence change replaces proline, which is neutral and non-polar, with leucine, which is neutral and non-polar, at codon 1884 of the NOTCH1 protein (p.Pro1884Leu). The frequency data for this variant in the population databases is considered unreliable, as metrics indicate poor data quality at this position in the gnomAD database. This variant has not been reported in the literature in individuals affected with NOTCH1-related conditions. ClinVar contains an entry for this variant (Variation ID: 1357375). Invitae Evidence Modeling of protein sequence and biophysical properties (such as structural, functional, and spatial information, amino acid conservation, physicochemical variation, residue mobility, and thermodynamic stability) has been performed for this missense variant. However, the output from this modeling did not meet the statistical confidence thresholds required to predict the impact of this variant on NOTCH1 protein function. In summary, the available evidence is currently insufficient to determine the role of this variant in disease. Therefore, it has been classified as a Variant of Uncertain Significance.

Blueprint Genetics
Classification: Uncertain significance. Last evaluated: 2021-10-20. Review status: criteria provided, single submitter. Criteria: ACMG Guidelines, 2015. Collection method: clinical testing. Allele origin: germline.